The following is an entry in ClinVar:

NM_001113378.2(FANCI):c.625G>C (p.Glu209Gln)

Gene: FANCI (FA complementation group I; plus strand). Cytogenetic location: 15q26.1.
Variant type: single nucleotide variant.
Coding change: c.625G>C on transcript NM_001113378.2 (MANE Select); coding-DNA position 625, G replaced by C.
Protein change: p.Glu209Gln; replaces glutamic acid 209 with glutamine.
Molecular consequence: missense variant.
Genome position (GRCh38, 1-based): chr15:89,263,982, G>C. VCF-style: chr15-89263982-G-C. GRCh37 (hg19) VCF-style: chr15-89807213-G-C.
Other names: c.346G>C, p.Glu116Gln (NM_001376910.1); c.625G>C, p.Glu209Gln (NM_001376911.1, NM_018193.3); short protein forms E116Q, E209Q.
Identifiers: ClinVar variation 1692562 (VCV001692562.4), dbSNP rs752707646, ClinGen allele CA7722703.

ClinVar aggregate classification (germline): Uncertain significance. Review status: criteria provided, multiple submitters, no conflicts (2 of 4 stars). 3 submissions from 3 submitters: Uncertain significance (3). Last evaluated 2024-01-14.

Conditions:
Fanconi anemia complementation group I (FANCI). Also called: FANCI-Related Fanconi Anemia. Identifiers: Orphanet 84, MedGen C1836861, MONDO:0012186, OMIM 609053.
Fanconi anemia (FA). Also called: Fanconi's anemia. Identifiers: Orphanet 84, MedGen C0015625, MeSH D005199, MONDO:0019391.

Allele frequency attached by ClinVar (database versions not stated): gnomAD 0.00001; gnomAD exomes 0.00001 and 0.00002; TOPMed 0.00001; ExAC 0.00002.
gnomAD v4.1: 16 of 1,613,980 alleles (0.00099%); highest among the groups gnomAD compares: Non-Finnish European, 0.0014%; no homozygotes.

Submissions (3):

Fulgent Genetics
Classification: Uncertain significance for Fanconi anemia complementation group I. Last evaluated: 2024-01-14. Review status: criteria provided, single submitter. Criteria: ACMG Guidelines, 2015. Collection method: clinical testing. Allele origin: germline.

Labcorp Genetics (formerly Invitae), Labcorp
Classification: Uncertain significance for Fanconi anemia. Last evaluated: 2022-09-07. Review status: criteria provided, single submitter. Criteria: Invitae Variant Classification Sherloc (09022015). Collection method: clinical testing. Allele origin: germline.
Comment: This sequence change replaces glutamic acid, which is acidic and polar, with glutamine, which is neutral and polar, at codon 209 of the FANCI protein (p.Glu209Gln). This variant is present in population databases (rs752707646, gnomAD 0.004%). This variant has not been reported in the literature in individuals affected with FANCI-related conditions. ClinVar contains an entry for this variant (Variation ID: 1692562). Algorithms developed to predict the effect of missense changes on protein structure and function (SIFT, PolyPhen-2, Align-GVGD) all suggest that this variant is likely to be disruptive. In summary, the available evidence is currently insufficient to determine the role of this variant in disease. Therefore, it has been classified as a Variant of Uncertain Significance.

Sema4
Classification: Uncertain significance for Fanconi anemia. Last evaluated: 2021-06-28. Review status: criteria provided, single submitter. Criteria: Sema4 Curation Guidelines. Collection method: curation. Allele origin: germline.
Comment: The FANCI c.625G>C (p.E209Q) variant has been reported in an individual with acute myeloid leukemia (PMID: 29891941). It was observed in 4/113712 chromosomes of the Non-Finnish European subpopulation in the large and broad cohorts of the Genome Aggregation Database (PMID: 32461654). The variant has not been reported in ClinVar. In silico tools suggest the impact of the variant on protein function is inconclusive though these predictions have not been confirmed by functional studies. The evidence is insufficient to meet ACMG/AMP criteria for classifying the variant as benign or pathogenic. Thus, the clinical significance of this variant is currently uncertain.

Literature cited by the submitters: PubMed 29891941 (cited by Sema4).